The following is an entry in ClinVar:

ClinVar aggregate classification (germline): Uncertain significance. Review status: criteria provided, multiple submitters, no conflicts (2 of 4 stars). 2 submissions from 2 submitters: Uncertain significance (2). Last evaluated 2025-06-23.

Conditions:
Neurofibromatosis, type 1 (NF1). Also called: VON RECKLINGHAUSEN DISEASE; NEUROFIBROMATOSIS, TYPE I, SOMATIC; Neurofibromatosis, type I; Peripheral type neurofibromatosis. Identifiers: Orphanet 636, MedGen C0027831, MONDO:0018975, OMIM 162200. Disease mechanism: loss of function.
Cardiovascular phenotype. Identifiers: MedGen CN230736.
Hereditary cancer-predisposing syndrome. Also called: Neoplastic Syndromes, Hereditary; Tumor predisposition; Hereditary Cancer Syndrome; Hereditary neoplastic syndrome. Identifiers: Orphanet 140162, MedGen C0027672, MeSH D009386, MONDO:0015356.

Submissions (2):

Ambry Genetics
Classification: Uncertain significance for Cardiovascular phenotype; Hereditary cancer-predisposing syndrome. Last evaluated: 2025-06-23. Review status: criteria provided, single submitter. Criteria: Ambry Variant Classification Scheme 2023. Collection method: clinical testing. Allele origin: germline.
Comment: The p.G1581E variant (also known as c.4742G>A), located in coding exon 35 of the NF1 gene, results from a G to A substitution at nucleotide position 4742. The glycine at codon 1581 is replaced by glutamic acid, an amino acid with similar properties. This amino acid position is highly conserved in available vertebrate species. In addition, this alteration is predicted to be deleterious by in silico analysis. Based on the available evidence, the clinical significance of this variant remains unclear.

Labcorp Genetics (formerly Invitae), Labcorp
Classification: Uncertain significance for Neurofibromatosis, type 1. Last evaluated: 2023-07-01. Review status: criteria provided, single submitter. Criteria: Invitae Variant Classification Sherloc (09022015). Collection method: clinical testing. Allele origin: germline.
Comment: This variant is not present in population databases (gnomAD no frequency). This variant has not been reported in the literature in individuals affected with NF1-related conditions. ClinVar contains an entry for this variant (Variation ID: 1742780). Advanced modeling of protein sequence and biophysical properties (such as structural, functional, and spatial information, amino acid conservation, physicochemical variation, residue mobility, and thermodynamic stability) performed at Invitae indicates that this missense variant is expected to disrupt NF1 protein function. In summary, the available evidence is currently insufficient to determine the role of this variant in disease. Therefore, it has been classified as a Variant of Uncertain Significance. This sequence change replaces glycine, which is neutral and non-polar, with glutamic acid, which is acidic and polar, at codon 1581 of the NF1 protein (p.Gly1581Glu).

NM_001042492.3(NF1):c.4805G>A (p.Gly1602Glu)

Gene: NF1 (neurofibromin 1; plus strand). Cytogenetic location: 17q11.2.
Variant type: single nucleotide variant.
Coding change: c.4805G>A on transcript NM_001042492.3 (MANE Select); coding-DNA position 4805, G replaced by A.
Protein change: p.Gly1602Glu; replaces glycine 1602 with glutamic acid.
Molecular consequence: missense variant.
Genome position (GRCh38, 1-based): chr17:31,265,309, G>A. VCF-style: chr17-31265309-G-A. GRCh37 (hg19) VCF-style: chr17-29592327-G-A.
Other names: c.4742G>A, p.Gly1581Glu (NM_000267.4); short protein forms G1581E, G1602E.
Identifiers: ClinVar variation 1742780 (VCV001742780.6), dbSNP rs2151470278, ClinGen allele CA399001328.
Genomic context (GRCh38, chr17:31,265,309, plus strand): 5'-AAGAATTCAAGGCTTTGAAAACGTTAAGTATTTTCTACCAAGCTGGGACTTCCAAAGCTG[G>A]GAATCCTATTTTTTATTATGTTGCACGGAGGTAAGAAATACTATGTTTTGGGTCTCTTAA-3'
Protein context (NP_001035957.1, residues 1592-1612): IFYQAGTSKA[Gly1602Glu]NPIFYYVARR